The following is an entry in ClinVar:

ClinVar aggregate classification (germline): Likely pathogenic (1 of 4 stars; one submission).

Conditions:
Rubinstein-Taybi syndrome due to EP300 haploinsufficiency. Also called: EP300-Related Rubinstein-Taybi Syndrome; RUBINSTEIN-TAYBI SYNDROME 2. Identifiers: Orphanet 353284, Orphanet 783, MedGen C3150941, MONDO:0013364, OMIM 613684.

Submission:

3billion
Classification: Likely pathogenic for Rubinstein-Taybi syndrome due to EP300 haploinsufficiency. Last evaluated: 2022-05-22. Review status: criteria provided, single submitter. Criteria: ACMG Guidelines, 2015. Collection method: clinical testing. Allele origin: germline. Affected: yes. Observed: 1 heterozygote.
Comment: The variant is not observed in the gnomAD v2.1.1 dataset. Canonical splice site: predicted to alter splicing and result in a loss or disruption of normal protein function through nonsense-mediated decay (NMD) or protein truncation. Multiple pathogenic variants are reported downstream of the variant. Therefore, this variant is classified as likely pathogenic according to the recommendation of ACMG/AMP guideline.

NM_001429.4(EP300):c.2998-3_2998-2del

Genes: EP300 (EP300 lysine acetyltransferase; plus strand), LOC126863158 (BRD4-independent group 4 enhancer GRCh37_chr22:41547383-41548582; plus strand). Cytogenetic location: 22q13.2.
Variant type: Deletion.
Coding change: c.2998-3_2998-2del on transcript NM_001429.4 (MANE Select); 3 bases into the intron before coding-DNA position 2998 through the canonical splice acceptor site of the intron before coding-DNA position 2998, 2 bases deleted (TA; older notation c.2998-3_2998-2delTA).
Molecular consequence: splice acceptor variant.
Genome position (GRCh38, 1-based): chr22:41,152,203-41,152,204, TA deleted. VCF-style (leftmost placement, unchanged base first): chr22-41152202-TTA-T. GRCh37 (hg19) VCF-style: chr22-41548206-TTA-T.
Other names: c.2920-3_2920-2del (NM_001362843.2).
Identifiers: ClinVar variation 1687496 (VCV001687496.1), dbSNP rs2145740556, ClinGen allele CA2573158204.
Genomic context (GRCh38, chr22:41,152,202, plus strand): 5'-TTCAGATTACTGATTCCCAACTAGATATCTTTGGAATACTAAAAATTCTTACGTTTTCTT[TTA>T]GTCTAAAGTGGAAGACTGTAAAATGGAATCTACCGAAACAGAAGAGAGAAGCACTGAGTT-3'